The following is an entry in ClinVar:

NM_001369.3(DNAH5):c.3488_3506delinsTG (p.Ser1163fs)

Genes: DNAH5 (dynein axonemal heavy chain 5; minus strand), DNAH5-AS1 (DNAH5 antisense RNA 1; plus strand). Cytogenetic location: 5p15.2.
Variant type: Indel.
Coding change: c.3488_3506delinsTG on transcript NM_001369.3 (MANE Select); coding-DNA positions 3488 to 3506, GCCCCTTGCTTTCTGAATT replaced by TG.
Protein change: p.Ser1163fs; shifts the reading frame from serine 1163.
Molecular consequence: frameshift variant.
Genome position (GRCh38, 1-based): chr5:13,871,656-13,871,674, AATTCAGAAAGCAAGGGGC replaced by CA on the plus strand (GCCCCTTGCTTTCTGAATT replaced by TG on the coding strand, the reverse complement: DNAH5 is on the minus strand). VCF-style: chr5-13871656-AATTCAGAAAGCAAGGGGC-CA. GRCh37 (hg19) VCF-style: chr5-13871765-AATTCAGAAAGCAAGGGGC-CA.
Other names: short protein forms S1163fs.
Identifiers: ClinVar variation 5010334 (VCV005010334.1).

ClinVar aggregate classification (germline): Pathogenic (1 of 4 stars; one submission).

Conditions:
Primary ciliary dyskinesia 3. Identifiers: Orphanet 244, MedGen C1837618, MONDO:0012085, OMIM 608644.

Submission:

Myriad Genetics, Inc.
Classification: Pathogenic for Primary ciliary dyskinesia 3. Last evaluated: 2024-05-14. Review status: criteria provided, single submitter. Criteria: Myriad Autosomal Dominant, Autosomal Recessive and X-Linked Classification Criteria (2023). Collection method: clinical testing. Allele origin: unknown.
Comment: NM_001369.2(DNAH5):c.3488_3506del19ins2(S1163Mfs*2) is expected to be pathogenic in the context of primary ciliary dyskinesia, DNAH5-related. This variant is predicted to lead to an abnormal or absent protein product due to the creation of a premature termination codon in DNAH5, a gene where loss-of-function variants are known to be pathogenic. Please note: this variant was assessed in the context of healthy population screening.